The following is an entry in ClinVar:

ClinVar aggregate classification (germline): Conflicting classifications of pathogenicity. Review status: criteria provided, conflicting classifications (1 of 4 stars). 6 submissions from 6 submitters: Uncertain significance (5); Likely benign (1). Last evaluated 2026-05-26.

Conditions:
ATM-related disorder. Also called: ATM-related disorders; ATM-related condition.
Hereditary cancer-predisposing syndrome. Also called: Neoplastic Syndromes, Hereditary; Hereditary neoplastic syndrome; Tumor predisposition; Hereditary Cancer Syndrome. Identifiers: Orphanet 140162, MedGen C0027672, MeSH D009386, MONDO:0015356.
Ataxia-telangiectasia syndrome (AT). Also called: Ataxia telangiectasia (A-T); Cerebello-oculocutaneous telangiectasia; Immunodeficiency with ataxia telangiectasia; LOUIS-BAR SYNDROME; AT, COMPLEMENTATION GROUP C; ATAXIA-TELANGIECTASIA, FRESNO VARIANT. Identifiers: Orphanet 100, MedGen C0004135, MONDO:0008840, OMIM 208900.

Allele frequency attached by ClinVar (database versions not stated): TOPMed 0.00001; ExAC 0.00001.

Submissions (6):

PreventionGenetics, part of Exact Sciences
Classification: Uncertain significance for ATM-related condition. Last evaluated: 2026-05-26. Review status: criteria provided, single submitter. Criteria: ACMG Guidelines, 2015. Collection method: clinical testing. Allele origin: germline.
Comment: The ATM c.6577G>A variant is predicted to result in the amino acid substitution p.Val2193Ile. To our knowledge, this variant has not been reported in the literature or in a large population database (gnomAD), indicating this variant is rare. This variant has conflicting classifications in ClinVar ranging from likely benign to uncertain (Variation ID: 231987). At this time, the clinical significance of this variant is uncertain due to the absence of conclusive functional and genetic evidence.

Labcorp Genetics (formerly Invitae), Labcorp
Classification: Uncertain significance for Ataxia-telangiectasia syndrome. Last evaluated: 2026-01-19. Review status: criteria provided, single submitter. Criteria: Invitae Variant Classification Sherloc (09022015). Collection method: clinical testing. Allele origin: germline.
Comment: This sequence change replaces valine, which is neutral and non-polar, with isoleucine, which is neutral and non-polar, at codon 2193 of the ATM protein (p.Val2193Ile). This variant is not present in population databases (gnomAD no frequency). This variant has not been reported in the literature in individuals affected with ATM-related conditions. ClinVar contains an entry for this variant (Variation ID: 231987). Invitae Evidence Modeling of protein sequence and biophysical properties (such as structural, functional, and spatial information, amino acid conservation, physicochemical variation, residue mobility, and thermodynamic stability) indicates that this missense variant is not expected to disrupt ATM protein function with a negative predictive value of 95%. In summary, the available evidence is currently insufficient to determine the role of this variant in disease. Therefore, it has been classified as a Variant of Uncertain Significance.

Quest Diagnostics Nichols Institute San Juan Capistrano
Classification: Uncertain significance. Last evaluated: 2025-08-28. Review status: criteria provided, single submitter. Criteria: Quest Diagnostics criteria. Collection method: clinical testing. Allele origin: unknown.

Ambry Genetics
Classification: Likely benign for Hereditary cancer-predisposing syndrome. Last evaluated: 2024-03-14. Review status: criteria provided, single submitter. Criteria: Ambry Variant Classification Scheme 2023. Collection method: clinical testing. Allele origin: germline.

Color Diagnostics, LLC DBA Color Health
Classification: Uncertain significance for Hereditary cancer-predisposing syndrome. Last evaluated: 2021-12-20. Review status: criteria provided, single submitter. Criteria: ACMG Guidelines, 2015. Collection method: clinical testing. Allele origin: germline.
Comment: This missense variant replaces valine with isoleucine at codon 2193 of the ATM protein. Computational prediction suggests that this variant may not impact protein structure and function (internally defined REVEL score threshold <= 0.5, PMID: 27666373). To our knowledge, functional studies have not been reported for this variant. This variant has not been reported in individuals affected with hereditary cancer in the literature. This variant has not been identified in the general population by the Genome Aggregation Database (gnomAD). The available evidence is insufficient to determine the role of this variant in disease conclusively. Therefore, this variant is classified as a Variant of Uncertain Significance.

GeneDx
Classification: Uncertain significance. Last evaluated: 2018-01-05. Review status: criteria provided, single submitter. Criteria: GeneDx Variant Classification (06012015). Collection method: clinical testing. Allele origin: germline. Affected: yes.
Comment: This variant is denoted ATM c.6577G>A at the cDNA level, p.Val2193Ile (V2193I) at the protein level, and results in the change of a Valine to an Isoleucine (GTC>ATC). This variant was observed in a blood sample from a patient with leukemia (McKeown 2017). ATM Val2193Ile was not observed in large population cohorts (Lek 2016). This variant is located in within the FAT domain (Stracker 2013). In-silico analysis, which includes protein predictors and evolutionary conservation, supports that this variant does not alter protein structure/function. Based on currently available evidence, it is unclear whether ATM Val2193Ile is a pathogenic or benign variant. We consider it to be a variant of uncertain significance.

NM_000051.4(ATM):c.6577G>A (p.Val2193Ile)

Genes: ATM (ATM serine/threonine kinase; plus strand), C11orf65 (chromosome 11 open reading frame 65; minus strand). Cytogenetic location: 11q22.3.
Variant type: single nucleotide variant.
Coding change: c.6577G>A on transcript NM_000051.4 (MANE Select); coding-DNA position 6577, G replaced by A.
Protein change: p.Val2193Ile; replaces valine 2193 with isoleucine.
Molecular consequence: missense variant. On other transcripts: intron variant (2).
Genome position (GRCh38, 1-based): chr11:108,325,314, G>A. VCF-style: chr11-108325314-G-A. GRCh37 (hg19) VCF-style: chr11-108196041-G-A.
Other names: c.6577G>A, p.Val2193Ile (NM_001351834.2); c.641-16243C>T (NM_001330368.2); c.*38+9906C>T (NM_001351110.2); short protein forms V2193I.
Identifiers: ClinVar variation 231987 (VCV000231987.20), dbSNP rs754555043, ClinGen allele CA6265988.